The following is an entry in ClinVar:

NM_006929.5(SKIC2):c.1210C>T (p.Arg404Cys)

Genes: SKIC2 (SKI2 subunit of superkiller complex; plus strand), LOC126859653 (CDK7 strongly-dependent group 2 enhancer GRCh37_chr6:31929542-31930741; plus strand). Cytogenetic location: 6p21.33.
Variant type: single nucleotide variant.
Coding change: c.1210C>T on transcript NM_006929.5 (MANE Select); coding-DNA position 1210, C replaced by T.
Protein change: p.Arg404Cys; replaces arginine 404 with cysteine.
Molecular consequence: missense variant.
Genome position (GRCh38, 1-based): chr6:31,962,584, C>T. VCF-style: chr6-31962584-C-T. GRCh37 (hg19) VCF-style: chr6-31930361-C-T.
Other names: short protein forms R404C.
Identifiers: ClinVar variation 2194015 (VCV002194015.1), dbSNP rs745433848, ClinGen allele CA3729380.
Genomic context (GRCh38, chr6:31,962,584, plus strand): 5'-ACCGGGGATGTACAGCTGCATCCGGAGGCCTCCTGCCTCATCATGACCACAGAGATCCTT[C>T]GGTGAGAGATGGACACTCAATACAGGGGAGTTTTGGCTGGGAAGATGTGGCCGTTGTGGA-3'
Protein context (NP_008860.4, residues 394-414): SCLIMTTEIL[Arg404Cys]SMLYSGSDVI

ClinVar aggregate classification (germline): Uncertain significance (1 of 4 stars; one submission).

Allele frequency attached by ClinVar (database versions not stated): gnomAD 0.00002; gnomAD exomes 0.00002; ExAC 0.00005.
gnomAD v4.1: 37 of 1,612,184 alleles (0.0023%); highest among the groups gnomAD compares: South Asian, 0.011%; no homozygotes.

Submission:

Labcorp Genetics (formerly Invitae), Labcorp
Classification: Uncertain significance. Last evaluated: 2022-07-03. Review status: criteria provided, single submitter. Criteria: Invitae Variant Classification Sherloc (09022015). Collection method: clinical testing. Allele origin: germline.
Comment: This sequence change replaces arginine, which is basic and polar, with cysteine, which is neutral and slightly polar, at codon 404 of the SKIV2L protein (p.Arg404Cys). This variant is present in population databases (rs745433848, gnomAD 0.01%). This variant has not been reported in the literature in individuals affected with SKIV2L-related conditions. Algorithms developed to predict the effect of missense changes on protein structure and function are either unavailable or do not agree on the potential impact of this missense change (SIFT: "Deleterious"; PolyPhen-2: "Probably Damaging"; Align-GVGD: "Class C0"). In summary, the available evidence is currently insufficient to determine the role of this variant in disease. Therefore, it has been classified as a Variant of Uncertain Significance.